The following is an entry in ClinVar:

NM_006941.4(SOX10):c.1160_1179dup (p.Ser394fs)

Genes: POLR2F (RNA polymerase II, I and III subunit F; plus strand), SOX10 (SRY-box transcription factor 10; minus strand). Cytogenetic location: 22q13.1.
Variant type: Duplication.
Coding change: c.1160_1179dup on transcript NM_006941.4 (MANE Select); coding-DNA positions 1160 to 1179, 20 bases duplicated (ACTATGGCTCAGCCTTCCCC).
Protein change: p.Ser394fs; shifts the reading frame from serine 394.
Molecular consequence: frameshift variant. On other transcripts: intron variant (3).
Genome position (GRCh38, 1-based): chr22:37,973,717-37,973,736, GGGGAAGGCTGAGCCATAGT duplicated on the plus strand (ACTATGGCTCAGCCTTCCCC on the coding strand, the reverse complement: SOX10 is on the minus strand); duplicating any 20 consecutive bases within chr22:37,973,717-37,973,740 gives the same sequence; the c. name uses the placement nearest the transcript's 3' end. VCF-style (leftmost placement, unchanged base first): chr22-37973716-A-AGGGGAAGGCTGAGCCATAGT. GRCh37 (hg19) VCF-style: chr22-38369723-A-AGGGGAAGGCTGAGCCATAGT.
Other names: c.1160_1179dup20 (NM_006941.3); c.*38+1411_*38+1430dup (NM_001363825.1); c.293+6551_293+6570dup (NM_001301130.2, NM_001301131.2); short protein forms S394fs.
Identifiers: ClinVar variation 817744 (VCV000817744.7), dbSNP rs1601878759, ClinGen allele CA915951358.
Genomic context (GRCh38, chr22:37,973,716, plus strand): 5'-GGCCATAATAGGGTCCTGAGGGCTGATGGTCAGAGTAGTCAAACTGGGGGCGGGAGATGG[A>AGGGGAAGGCTGAGCCATAGT]GGGGAAGGCTGAGCCATAGTGGGGCAGGCTGAGGGAGGTGTAGGCGATCTGTGAGGTGGA-3'

ClinVar aggregate classification (germline): Likely pathogenic. Review status: criteria provided, single submitter (1 of 4 stars). 2 submissions from 2 submitters: Likely pathogenic (1). 1 of the submissions does not count toward it. Last evaluated 2018-07-26.

Conditions:
Waardenburg syndrome type 1 (WS1). Also called: Waardenburg Syndrome Type I; WAARDENBURG SYNDROME WITH DYSTOPIA CANTHORUM. Identifiers: Orphanet 894, MedGen C1847800, MONDO:0008670, OMIM 193500.

Submissions (2):

GeneDx
Classification: Likely pathogenic. Last evaluated: 2018-07-26. Review status: criteria provided, single submitter. Criteria: GeneDx Variant Classification (06012015). Collection method: clinical testing. Allele origin: germline. Affected: yes.
Comment: The c.1160_1179dup20 variant in the SOX10 gene has not been reported previously as a pathogenic variant nor as a benign variant, to our knowledge. This frameshift variant replaces the typical last 73 amino acid residues in the SOX10 protein with 114 different amino acid residues. This alteration may interfere with the proper formation and/or function of the SOX10 protein. The c.1160_1179dup20 variant is not observed in large population cohorts (Lek et al., 2016). We interpret c.1160_1179dup20 as a likely pathogenic variant.

Department of Clinical Genetics, Copenhagen University Hospital, Rigshospitalet
Classification: Pathogenic for Waardenburg syndrome type 1. Last evaluated: 2021-04-26. Review status: no assertion criteria provided. Collection method: clinical testing. Allele origin: germline. Affected: yes. Not counted in ClinVar's aggregate classification.